The following is an entry in ClinVar:

NM_002693.3(POLG):c.1171-18C>G

Gene: POLG (DNA polymerase gamma, catalytic subunit; minus strand). Cytogenetic location: 15q26.1.
Variant type: single nucleotide variant.
Coding change: c.1171-18C>G on transcript NM_002693.3 (MANE Select); 18 bases into the intron before coding-DNA position 1171, C replaced by G.
Molecular consequence: intron variant.
Genome position (GRCh38, 1-based): chr15:89,328,553, G>C on the plus strand (C>G on the coding strand, the complement: POLG is on the minus strand). VCF-style: chr15-89328553-G-C. GRCh37 (hg19) VCF-style: chr15-89871784-G-C.
Other names: c.1171-18C>G (NM_001126131.2).
Identifiers: ClinVar variation 619349 (VCV000619349.4), dbSNP rs1567192015, ClinGen allele CA10602181.

ClinVar aggregate classification (germline): Likely benign. Review status: criteria provided, multiple submitters, no conflicts (2 of 4 stars). 2 submissions from 2 submitters: Likely benign (2). Last evaluated 2025-12-22.

Conditions:
Progressive sclerosing poliodystrophy (MTDPS4A). Also called: Alpers-Huttenlocher Syndrome (AHS); Alpers Syndrome; ALPERS PROGRESSIVE INFANTILE POLIODYSTROPHY; Mitochondrial DNA depletion syndrome 4A (Alpers type); ALPERS DIFFUSE DEGENERATION OF CEREBRAL GRAY MATTER WITH HEPATIC CIRRHOSIS; Alpers-Huttenlocher Syndrome. Identifiers: Orphanet 726, MedGen C0205710, MONDO:0008758, OMIM 203700.

Submissions (2):

Labcorp Genetics (formerly Invitae), Labcorp
Classification: Likely benign for Progressive sclerosing poliodystrophy. Last evaluated: 2025-12-22. Review status: criteria provided, single submitter. Criteria: Invitae Variant Classification Sherloc (09022015). Collection method: clinical testing. Allele origin: germline.

Wong Mito Lab, Molecular and Human Genetics, Baylor College of Medicine
Classification: Likely benign for Progressive sclerosing poliodystrophy. Last evaluated: 2018-10-01. Review status: criteria provided, single submitter. Criteria: ACMG Guidelines, 2015. Collection method: clinical testing. Allele origin: germline.
Comment: The NM_002693.2:c.1171-18C>G (NP_002684.1:p.=) [GRCH38: NC_000015.10:g.89328553G>C] variant in POLG gene is interpretated to be a Likely Benign based on ACMG guidelines (PMID: 25741868). This variant meets the following evidence codes reported in the ACMG-guideline. BP4:Computational evidence/predictors indicate no impact on the POLG structure, function, or protein-protein interaction. BP6:Reputable source(s) without shared data suggest the variant is benign. Based on the evidence criteria codes applied, the variant is suggested to be Likely Benign.